The following is an entry in ClinVar:

ClinVar aggregate classification (germline): Uncertain significance (1 of 4 stars; one submission).

Allele frequency attached by ClinVar (database versions not stated): gnomAD exomes 0.00001; gnomAD 0.00002; TOPMed 0.00003.
gnomAD v4.1: 17 of 1,613,606 alleles (0.0011%); highest among the groups gnomAD compares: Non-Finnish European, 0.0014%; no homozygotes.

Submission:

Labcorp Genetics (formerly Invitae), Labcorp
Classification: Uncertain significance. Last evaluated: 2021-09-17. Review status: criteria provided, single submitter. Criteria: Invitae Variant Classification Sherloc (09022015). Collection method: clinical testing. Allele origin: germline.
Comment: This sequence change replaces proline with alanine at codon 215 of the AGXT protein (p.Pro215Ala). The proline residue is highly conserved and there is a small physicochemical difference between proline and alanine. This variant is not present in population databases (ExAC no frequency). This variant has not been reported in the literature in individuals with AGXT-related conditions. Algorithms developed to predict the effect of missense changes on protein structure and function output the following: SIFT: "Tolerated"; PolyPhen-2: "Benign"; Align-GVGD: "Class C0". The alanine amino acid residue is found in multiple mammalian species, suggesting that this missense change does not adversely affect protein function. These predictions have not been confirmed by published functional studies and their clinical significance is uncertain. In summary, the available evidence is currently insufficient to determine the role of this variant in disease. Therefore, it has been classified as a Variant of Uncertain Significance.

NM_000030.3(AGXT):c.643C>G (p.Pro215Ala)

Gene: AGXT (alanine--glyoxylate aminotransferase; plus strand). Cytogenetic location: 2q37.3.
Variant type: single nucleotide variant.
Coding change: c.643C>G on transcript NM_000030.3 (MANE Select); coding-DNA position 643, C replaced by G.
Protein change: p.Pro215Ala; replaces proline 215 with alanine.
Molecular consequence: missense variant.
Genome position (GRCh38, 1-based): chr2:240,874,025, C>G. VCF-style: chr2-240874025-C-G. GRCh37 (hg19) VCF-style: chr2-241813442-C-G.
Other names: short protein forms P215A.
Identifiers: ClinVar variation 2147769 (VCV002147769.1), dbSNP rs1026930303, ClinGen allele CA68179273.
Genomic context (GRCh38, chr2:240,874,025, plus strand): 5'-CACCCATCTACAGGCATCGACATCCTGTACTCGGGCTCCCAGAAGGCCCTGAACGCCCCT[C>G]CAGGGACCTCGCTCATCTCCTTCAGTGACAAGGCCAAGTGAGTGACCCACAGACCCTCAC-3'
Protein context (NP_000021.1, residues 205-225): SGSQKALNAP[Pro215Ala]GTSLISFSDK